The following is an entry in ClinVar:

ClinVar aggregate classification (germline): Likely pathogenic (1 of 4 stars; one submission).

Conditions:
Fanconi anemia (FA). Also called: Fanconi's anemia. Identifiers: Orphanet 84, MedGen C0015625, MeSH D005199, MONDO:0019391.

Submission:

Labcorp Genetics (formerly Invitae), Labcorp
Classification: Likely pathogenic for Fanconi anemia. Last evaluated: 2024-10-17. Review status: criteria provided, single submitter. Criteria: Invitae Variant Classification Sherloc (09022015). Collection method: clinical testing. Allele origin: germline.
Comment: This sequence change affects an acceptor splice site in intron 18 of the FANCI gene. It is expected to disrupt RNA splicing. Variants that disrupt the donor or acceptor splice site typically lead to a loss of protein function (PMID: 16199547), and loss-of-function variants in FANCI are known to be pathogenic (PMID: 17452773, 17460694). This variant is not present in population databases (gnomAD no frequency). This variant has not been reported in the literature in individuals affected with FANCI-related conditions. Algorithms developed to predict the effect of sequence changes on RNA splicing suggest that this variant may disrupt the consensus splice site. In summary, the currently available evidence indicates that the variant is pathogenic, but additional data are needed to prove that conclusively. Therefore, this variant has been classified as Likely Pathogenic.

Literature cited by the submitters: PubMed 16199547; PubMed 17452773; PubMed 17460694.

NM_001113378.2(FANCI):c.1822-2A>C

Gene: FANCI (FA complementation group I; plus strand). Cytogenetic location: 15q26.1.
Variant type: single nucleotide variant.
Coding change: c.1822-2A>C on transcript NM_001113378.2 (MANE Select); the canonical splice acceptor site of the intron before coding-DNA position 1822, A replaced by C.
Molecular consequence: splice acceptor variant.
Genome position (GRCh38, 1-based): chr15:89,290,211, A>C. VCF-style: chr15-89290211-A-C. GRCh37 (hg19) VCF-style: chr15-89833442-A-C.
Other names: c.1822-2A>C (NM_018193.3, NM_001376911.1); c.1543-2A>C (NM_001376910.1).
Identifiers: ClinVar variation 3723144 (VCV003723144.2).
Genomic context (GRCh38, chr15:89,290,211, plus strand): 5'-GATTGTCCAGATCACTAGTATCTCTGTTAAAGTGCTTATTTCTTCTCTTTGATTCCTCTT[A>C]GGGGTTTTATGATGTTCTTCGAAGGAACTCTCAGCTGGCTAATTCAGTCATGCAAACTCT-3'